The following is an entry in ClinVar:

ClinVar aggregate classification (germline): Conflicting classifications of pathogenicity. Review status: criteria provided, conflicting classifications (1 of 4 stars). 3 submissions from 3 submitters: Uncertain significance (1); Benign (1); Likely benign (1). Last evaluated 2026-04-01.

Conditions:
Immunodeficiency, common variable, 12 (CVID12). Also called: NFKB1 DEFICIENCY; IMMUNODEFICIENCY, COMMON VARIABLE, 12, WITH AUTOIMMUNITY. Identifiers: Orphanet 1572, Orphanet 696874, MedGen C4225277, MONDO:0014697, OMIM 616576.

Allele frequency attached by ClinVar (database versions not stated): gnomAD 0.00016 and 0.00040; TOPMed 0.00027; ESP Exome Variant Server 0.00031; gnomAD exomes 0.00078 and 0.00157; 1000 Genomes Project 0.00160; ExAC 0.00183; 1000 Genomes Project 30x 0.00187.
gnomAD v4.1: 1,188 of 1,593,296 alleles (0.075%); highest among the groups gnomAD compares: South Asian, 0.89%; 12 homozygotes.

Submissions (3):

CeGaT Center for Human Genetics Tuebingen
Classification: Likely benign. Last evaluated: 2026-04-01. Review status: criteria provided, single submitter. Criteria: CeGaT Center For Human Genetics Tuebingen Variant Classification Criteria Version 2. Collection method: clinical testing. Allele origin: germline. Affected: yes. Observed: 9 variant alleles.
Comment: NFKB1: BS1

Labcorp Genetics (formerly Invitae), Labcorp
Classification: Benign. Last evaluated: 2026-01-30. Review status: criteria provided, single submitter. Criteria: Invitae Variant Classification Sherloc (09022015). Collection method: clinical testing. Allele origin: germline.

Center for Genomics, Ann and Robert H. Lurie Children's Hospital of Chicago
Classification: Uncertain significance for Immunodeficiency, common variable, 12. Last evaluated: 2022-01-29. Review status: criteria provided, single submitter. Criteria: ACMG Guidelines, 2015. Collection method: clinical testing. Allele origin: germline.
Comment: NFKB1 NM_003998.3 exon 16 p.Arg579Lys (c.1736G>A): This variant has been reported in the literature in at least 2 individuals: 1 with persistent hypogammaglobulinemia and 1 with CVID (Sogkas 2020 PMID:33046446, Bisgin 2021 PMID:33859323). This variant is present in 0.9% (284/30300) of South Asian alleles including 5 homozygotes in the Genome Aggregation Database. Evolutionary conservation suggests that this variant may impact the protein; computational predictive tools suggest that this variant may not impact the protein. In vitro functional studies suggest that this variant will impact the protein (Lorenzini 2020 PMID:33859323). However, these studies may not accurately represent in vivo biological function. In summary, data on this variant is insufficient for disease classification. Therefore, the clinical significance of this variant is uncertain.

NM_003998.4(NFKB1):c.1736G>A (p.Arg579Lys)

Genes: NFKB1 (nuclear factor kappa B subunit 1; plus strand), LOC126807127 (CDK7 strongly-dependent group 2 enhancer GRCh37_chr4:103521788-103522987; plus strand). Cytogenetic location: 4q24.
Variant type: single nucleotide variant.
Coding change: c.1736G>A on transcript NM_003998.4 (MANE Select); coding-DNA position 1736, G replaced by A.
Protein change: p.Arg579Lys; replaces arginine 579 with lysine.
Molecular consequence: missense variant.
Genome position (GRCh38, 1-based): chr4:102,600,993, G>A. VCF-style: chr4-102600993-G-A. GRCh37 (hg19) VCF-style: chr4-103522150-G-A.
Other names: c.1733G>A, p.Arg578Lys (NM_001165412.2, NM_001319226.2, NM_001382627.1); c.1736G>A, p.Arg579Lys (NM_001382625.1, NM_001382626.1); c.1694G>A, p.Arg565Lys (NM_001382628.1); short protein forms R565K, R578K, R579K.
Identifiers: ClinVar variation 1599046 (VCV001599046.37), dbSNP rs4648086, ClinGen allele CA3026235.